The following is an entry in ClinVar:

NM_001256715.2(DNAAF3):c.466C>T (p.Leu156Phe)

Genes: DNAAF3 (dynein axonemal assembly factor 3; minus strand), DNAAF3-AS1 (DNAAF3 antisense RNA 1; plus strand). Cytogenetic location: 19q13.42.
Variant type: single nucleotide variant.
Coding change: c.466C>T on transcript NM_001256715.2 (MANE Select); coding-DNA position 466, C replaced by T.
Protein change: p.Leu156Phe; replaces leucine 156 with phenylalanine.
Molecular consequence: missense variant.
Genome position (GRCh38, 1-based): chr19:55,162,147, G>A on the plus strand (C>T on the coding strand, the complement: DNAAF3 is on the minus strand). VCF-style: chr19-55162147-G-A. GRCh37 (hg19) VCF-style: chr19-55673515-G-A.
Other names: c.304C>T, p.Leu102Phe (NM_001256716.2); c.607C>T, p.Leu203Phe (NM_178837.4); c.670C>T, p.Leu224Phe (NM_001256714.1); short protein forms L203F, L224F, L102F, L156F.
Identifiers: ClinVar variation 330218 (VCV000330218.7), dbSNP rs372945469, ClinGen allele CA9668150.

ClinVar aggregate classification (germline): Uncertain significance (1 of 4 stars; one submission).

Conditions:
Primary ciliary dyskinesia. Also called: Ciliary dyskinesia. Identifiers: Orphanet 244, MedGen C0008780, MONDO:0016575, HP:0012265.

Allele frequency attached by ClinVar (database versions not stated): gnomAD exomes 0.00006 and 0.00023; 1000 Genomes Project 30x 0.00016; gnomAD 0.00019; 1000 Genomes Project 0.00020; TOPMed 0.00020; ExAC 0.00074.

Submission:

Labcorp Genetics (formerly Invitae), Labcorp
Classification: Uncertain significance for Primary ciliary dyskinesia. Last evaluated: 2025-08-16. Review status: criteria provided, single submitter. Criteria: Invitae Variant Classification Sherloc (09022015). Collection method: clinical testing. Allele origin: germline.
Comment: This sequence change replaces leucine, which is neutral and non-polar, with phenylalanine, which is neutral and non-polar, at codon 224 of the DNAAF3 protein (p.Leu224Phe). This variant is present in population databases (rs372945469, gnomAD 0.06%). This missense change has been observed in individual(s) with clinical features of primary ciliary dyskinesia (internal data). ClinVar contains an entry for this variant (Variation ID: 330218). Invitae Evidence Modeling of protein sequence and biophysical properties (such as structural, functional, and spatial information, amino acid conservation, physicochemical variation, residue mobility, and thermodynamic stability) indicates that this missense variant is not expected to disrupt DNAAF3 protein function with a negative predictive value of 80%. In summary, the available evidence is currently insufficient to determine the role of this variant in disease. Therefore, it has been classified as a Variant of Uncertain Significance.